The following is an entry in ClinVar:

ClinVar aggregate classification (germline): Pathogenic/Likely pathogenic. Review status: criteria provided, multiple submitters, no conflicts (2 of 4 stars). 7 submissions from 7 submitters: Pathogenic (2); Likely pathogenic (5). Last evaluated 2026-01-05.

Conditions:
3-methylcrotonyl-CoA carboxylase 2 deficiency. Also called: METHYLCROTONYLGLYCINURIA, TYPE II; 3 alpha methylcrotonyl-CoA carboxylase 2 deficiency; 3 alpha methylcrotonylglycinuria 2; MCC 2 deficiency; Methylcrotonylglycinuria type 2. Identifiers: Orphanet 6, MedGen C1859499, MONDO:0008862, OMIM 210210.
Methylcrotonyl-CoA carboxylase deficiency. Also called: 3-MCC Deficiency; Deficiency of methylcrotonoyl-CoA carboxylase; 3 Methylcrotonylglycinuria. Identifiers: Orphanet 6, MedGen C4551505, MONDO:0018950.
MCCC2-related disorder. Also called: MCCC2-related condition.

Allele frequency attached by ClinVar (database versions not stated): gnomAD 0.00002 and 0.00004; TOPMed 0.00003; gnomAD exomes 0.00004 and 0.00005; ExAC 0.00005; ESP Exome Variant Server 0.00015.
gnomAD v4.1: 88 of 1,613,980 alleles (0.0055%); highest among the groups gnomAD compares: Middle Eastern, 0.016%; no homozygotes.

Submissions (7):

Labcorp Genetics (formerly Invitae), Labcorp
Classification: Pathogenic for 3-methylcrotonyl-CoA carboxylase 2 deficiency. Last evaluated: 2026-01-05. Review status: criteria provided, single submitter. Criteria: Invitae Variant Classification Sherloc (09022015). Collection method: clinical testing. Allele origin: germline.
Comment: This sequence change replaces arginine, which is basic and polar, with tryptophan, which is neutral and slightly polar, at codon 155 of the MCCC2 protein (p.Arg155Trp). This variant is present in population databases (rs141030969, gnomAD 0.009%). This missense change has been observed in individual(s) with 3-methylcrotonyl-CoA carboxylase deficiency (PMID: 16010683, 22642865, 26566957). ClinVar contains an entry for this variant (Variation ID: 566363). Invitae Evidence Modeling of protein sequence and biophysical properties (such as structural, functional, and spatial information, amino acid conservation, physicochemical variation, residue mobility, and thermodynamic stability) indicates that this missense variant is expected to disrupt MCCC2 protein function with a positive predictive value of 80%. This variant disrupts the p.Arg155 amino acid residue in MCCC2. Other variant(s) that disrupt this residue have been determined to be pathogenic (PMID: 22642865). This suggests that this residue is clinically significant, and that variants that disrupt this residue are likely to be disease-causing. For these reasons, this variant has been classified as Pathogenic.

Natera, Inc.
Classification: Likely pathogenic for 3-methylcrotonyl-CoA carboxylase 2 deficiency. Last evaluated: 2025-11-12. Review status: criteria provided, single submitter. Criteria: Natera Variant Classification Schema (03/2026). Collection method: clinical testing. Allele origin: germline.
Comment: The c.463C>T variant in MCCC2 is a missense variant predicted to cause substitution of arginine to tryptophan at amino acid 155. This variant is rare in the general population with a frequency below the threshold expected for the associated phenotype(s). This variant has been observed in one or more individuals affected with the associated recessive disease, as either homozygous or compound heterozygous with a second variant (PMID: 22642865). A different variant at the same position has been determined to be Pathogenic or Likely Pathogenic. Computational prediction algorithms indicate this variant is likely to affect gene or protein function. Given the available evidence, this variant is classified as Likely Pathogenic.

Women's Health and Genetics/Laboratory Corporation of America, LabCorp
Classification: Pathogenic for Methylcrotonyl-CoA carboxylase deficiency. Last evaluated: 2025-11-05. Review status: criteria provided, single submitter. Criteria: LabCorp Variant Classification Summary - May 2015. Collection method: clinical testing. Allele origin: germline.
Comment: Variant summary: MCCC2 c.463C>T (p.Arg155Trp) results in a non-conservative amino acid change in the encoded protein sequence. Algorithms developed to predict the effect of missense changes on protein structure and function all suggest that this variant is likely to be disruptive. The variant allele was found at a frequency of 4.4e-05 in 251482 control chromosomes. This frequency is not significantly higher than estimated for disease-causing variants in MCCC2, allowing no conclusion about variant significance. c.463C>T has been observed in multiple individuals affected with Methylcrotonyl-CoA Carboxylase Deficiency (e.g. Dantas_2005, Grunert_2012). These data indicate that the variant is very likely to be associated with disease. The following publications have been ascertained in the context of this evaluation (PMID: 16010683, 22642865). ClinVar contains an entry for this variant (Variation ID: 566363). Based on the evidence outlined above, the variant was classified as pathogenic.

PreventionGenetics, part of Exact Sciences
Classification: Likely pathogenic for MCCC2-related condition. Last evaluated: 2025-05-05. Review status: criteria provided, single submitter. Criteria: ACMG Guidelines, 2015. Collection method: clinical testing. Allele origin: germline.
Comment: The MCCC2 c.463C>T variant is predicted to result in the amino acid substitution p.Arg155Trp. This variant has been reported in the homozygous or compound heterozygous state in multiple individuals with 3-methylcrotonyl-CoA carboxylase deficiency. Some of these patients were clinically affected while others were identified by newborn screening and asymptomatic at the time of reporting (Dantas et al. 2005. PubMed ID: 16010683; Grünert et al. 2012. PubMed ID: 22642865; Fonseca et al. 2016. PubMed ID: 27601257; Rips et al. 2016. PubMed ID: 26566957). This variant is reported in 0.0077% of alleles in individuals of European (Non-Finnish) descent in gnomAD. This variant is interpreted as likely pathogenic.

Fulgent Genetics
Classification: Likely pathogenic for 3-methylcrotonyl-CoA carboxylase 2 deficiency. Last evaluated: 2024-06-07. Review status: criteria provided, single submitter. Criteria: ACMG Guidelines, 2015. Collection method: clinical testing. Allele origin: germline.

Revvity Omics, Revvity
Classification: Likely pathogenic for 3-methylcrotonyl-CoA carboxylase 2 deficiency. Last evaluated: 2022-03-02. Review status: criteria provided, single submitter. Criteria: ACMG Guidelines, 2015. Collection method: clinical testing. Allele origin: germline.

GeneDx
Classification: Likely pathogenic. Last evaluated: 2019-11-18. Review status: criteria provided, single submitter. Criteria: GeneDx Variant Classification Process June 2021. Collection method: clinical testing. Allele origin: germline. Affected: yes.
Comment: Not observed at a significant frequency in large population cohorts (Lek et al., 2016); The majority of missense variants in this gene are considered pathogenic (Stenson et al., 2014); In silico analysis, which includes protein predictors and evolutionary conservation, supports a deleterious effect; This variant is associated with the following publications: (PMID: 31589614, 27601257, 26566957, 16010683, 22642865, 25087612)

Literature cited by the submitters: PubMed 16010683 (cited by Labcorp Genetics (formerly Invitae), Labcorp and Women's Health and Genetics/Laboratory Corporation of America, LabCorp); PubMed 22642865 (cited by 3 submitters); PubMed 26566957 (cited by Labcorp Genetics (formerly Invitae), Labcorp).

NM_022132.5(MCCC2):c.463C>T (p.Arg155Trp)

Gene: MCCC2 (methylcrotonyl-CoA carboxylase subunit 2; plus strand). Cytogenetic location: 5q13.2.
Variant type: single nucleotide variant.
Coding change: c.463C>T on transcript NM_022132.5 (MANE Select); coding-DNA position 463, C replaced by T.
Protein change: p.Arg155Trp; replaces arginine 155 with tryptophan.
Molecular consequence: missense variant.
Genome position (GRCh38, 1-based): chr5:71,602,585, C>T. VCF-style: chr5-71602585-C-T. GRCh37 (hg19) VCF-style: chr5-70898412-C-T.
Other names: c.463C>T, p.Arg155Trp (NM_001363147.1); short protein forms R155W.
Identifiers: ClinVar variation 566363 (VCV000566363.23), dbSNP rs141030969, ClinGen allele CA3297783.